The following is an entry in ClinVar:

NM_001165963.4(SCN1A):c.3879+4G>T

Genes: SCN1A (sodium voltage-gated channel alpha subunit 1; minus strand), LOC102724058 (uncharacterized LOC102724058; plus strand). Cytogenetic location: 2q24.3.
Variant type: single nucleotide variant.
Coding change: c.3879+4G>T on transcript NM_001165963.4 (MANE Select); 4 bases into the intron after coding-DNA position 3879, G replaced by T.
Molecular consequence: intron variant.
Genome position (GRCh38, 1-based): chr2:166,012,105, C>A on the plus strand (G>T on the coding strand, the complement: SCN1A is on the minus strand). VCF-style: chr2-166012105-C-A. GRCh37 (hg19) VCF-style: chr2-166868615-C-A.
Other names: c.3846+4G>T (NM_001353949.2, NM_001353950.2, NM_001353951.2 and 2 more transcripts); c.3795+4G>T (NM_001353958.2, NM_001353957.2, NM_001165964.3); c.3879+4G>T (NM_001202435.3, NM_001353948.2); c.3843+4G>T (NM_001353955.2, NM_001353954.2); c.3792+4G>T (NM_001353960.2); c.1437+4G>T (NM_001353961.2).
Identifiers: ClinVar variation 1372196 (VCV001372196.11), dbSNP rs763755211, ClinGen allele CA1942880.

ClinVar aggregate classification (germline): Conflicting classifications of pathogenicity. Review status: criteria provided, conflicting classifications (1 of 4 stars). 2 submissions from 2 submitters: Uncertain significance (1); Likely benign (1). Last evaluated 2026-01-01.

Conditions:
Early-infantile DEE. Also called: Early infantile epileptic encephalopathy with suppression bursts; Ohtahara syndrome; Early infantile epileptic encephalopathy. Identifiers: Orphanet 1934, MedGen C0393706, MONDO:0800491.

Allele frequency attached by ClinVar (database versions not stated): gnomAD 0.00001.
gnomAD v4.1: 9 of 1,608,810 alleles (0.00056%); highest among the groups gnomAD compares: South Asian, 0.0099%; no homozygotes.

Submissions (2):

CeGaT Center for Human Genetics Tuebingen
Classification: Likely benign. Last evaluated: 2026-01-01. Review status: criteria provided, single submitter. Criteria: CeGaT Center For Human Genetics Tuebingen Variant Classification Criteria Version 2. Collection method: clinical testing. Allele origin: germline. Affected: yes. Observed: 1 variant allele.
Comment: SCN1A: BP4

Labcorp Genetics (formerly Invitae), Labcorp
Classification: Uncertain significance for Early-infantile DEE. Last evaluated: 2024-10-24. Review status: criteria provided, single submitter. Criteria: Invitae Variant Classification Sherloc (09022015). Collection method: clinical testing. Allele origin: germline.
Comment: This sequence change falls in intron 19 of the SCN1A gene. It does not directly change the encoded amino acid sequence of the SCN1A protein. It affects a nucleotide within the consensus splice site. This variant is present in population databases (rs763755211, gnomAD 0.01%). This variant has not been reported in the literature in individuals affected with SCN1A-related conditions. ClinVar contains an entry for this variant (Variation ID: 1372196). Variants that disrupt the consensus splice site are a relatively common cause of aberrant splicing (PMID: 17576681, 9536098). Algorithms developed to predict the effect of sequence changes on RNA splicing suggest that this variant is not likely to affect RNA splicing. In summary, the available evidence is currently insufficient to determine the role of this variant in disease. Therefore, it has been classified as a Variant of Uncertain Significance.

Literature cited by the submitters: PubMed 17576681 (cited by Labcorp Genetics (formerly Invitae), Labcorp); PubMed 9536098 (cited by Labcorp Genetics (formerly Invitae), Labcorp).